The following is an entry in ClinVar:

ClinVar aggregate classification (germline): Uncertain significance. Review status: criteria provided, multiple submitters, no conflicts (2 of 4 stars). 2 submissions from 2 submitters: Uncertain significance (2). Last evaluated 2025-09-14.

Conditions:
ANK2-related disorder. Also called: ANK2-related condition.

Allele frequency attached by ClinVar (database versions not stated): TOPMed below 0.00001.

Submissions (2):

PreventionGenetics, part of Exact Sciences
Classification: Uncertain significance for ANK2-related condition. Last evaluated: 2025-09-14. Review status: criteria provided, single submitter. Criteria: ACMG Guidelines, 2015. Collection method: clinical testing. Allele origin: germline.
Comment: The ANK2 c.4229G>A variant is predicted to result in the amino acid substitution p.Arg1410Lys. To our knowledge, this variant has not been reported in the literature or in a large population database (gnomAD), indicating this variant is rare. At this time, the clinical significance of this variant is uncertain due to the absence of conclusive functional and genetic evidence.

GeneDx
Classification: Uncertain significance. Last evaluated: 2021-02-05. Review status: criteria provided, single submitter. Criteria: GeneDx Variant Classification Process June 2021. Collection method: clinical testing. Allele origin: germline. Affected: yes.
Comment: Not observed in large population cohorts (Lek et al., 2016); In silico analysis supports that this missense variant has a deleterious effect on protein structure/function; Has not been previously published as pathogenic or benign to our knowledge

NM_001148.6(ANK2):c.4229G>A (p.Arg1410Lys)

Gene: ANK2 (ankyrin 2; plus strand). Cytogenetic location: 4q26.
Variant type: single nucleotide variant.
Coding change: c.4229G>A on transcript NM_001148.6 (MANE Select); coding-DNA position 4229, G replaced by A.
Protein change: p.Arg1410Lys; replaces arginine 1410 with lysine.
Molecular consequence: missense variant.
Genome position (GRCh38, 1-based): chr4:113,343,123, G>A. VCF-style: chr4-113343123-G-A. GRCh37 (hg19) VCF-style: chr4-114264279-G-A.
Other names: c.4307G>A, p.Arg1436Lys (NM_001354237.2); c.4199G>A, p.Arg1400Lys (NM_001354239.2, NM_001354252.2); c.4274G>A, p.Arg1425Lys (NM_001354240.2, NM_001354241.2, NM_001386144.1); c.4271G>A, p.Arg1424Lys (NM_001354242.2, NM_001354231.2); c.4166G>A, p.Arg1389Lys (NM_001354243.2, NM_001354255.2, NM_001386143.1); c.4163G>A, p.Arg1388Lys (NM_001354244.2, NM_001354256.2, NM_001386161.1); c.4067G>A, p.Arg1356Lys (NM_001354245.2, NM_001354262.2, NM_001354275.2); c.4226G>A, p.Arg1409Lys (NM_001354246.2, NM_001354265.2, NM_001354235.2); and 31 more; short protein forms R1249K, R1282K, R1310K, R1315K, R1323K, R1335K, R1339K, R1343K.
Identifiers: ClinVar variation 1203543 (VCV001203543.4), dbSNP rs2094471601, ClinGen allele CA357911561.